The following is an entry in ClinVar:

NM_006206.6(PDGFRA):c.*1778C>A

Gene: PDGFRA (platelet derived growth factor receptor alpha; plus strand). Cytogenetic location: 4q12.
Variant type: single nucleotide variant.
Coding change: c.*1778C>A on transcript NM_006206.6 (MANE Select); 1778 bases downstream of the stop codon, C replaced by A.
Molecular consequence: 3 prime UTR variant.
Genome position (GRCh38, 1-based): chr4:54,297,050, C>A. VCF-style: chr4-54297050-C-A. GRCh37 (hg19) VCF-style: chr4-55163217-C-A.
Other names: c.*1778C>A (NM_001347828.2, NM_001347829.2, NM_001347830.2).
Identifiers: ClinVar variation 903420 (VCV000903420.4), dbSNP rs182602738, ClinGen allele CA96834433.

ClinVar aggregate classification (germline): Conflicting classifications of pathogenicity. Review status: criteria provided, conflicting classifications (1 of 4 stars). 2 submissions from 1 submitter: Uncertain significance (1); Likely benign (1). Last evaluated 2018-01-13.

Conditions:
Gastrointestinal stromal tumor. Also called: Gastrointestinal stroma tumor; Gastrointestinal stromal tumor, somatic. Identifiers: Orphanet 44890, MedGen C0238198, MeSH D046152, MONDO:0011719, OMIM 606764, HP:0100723.
Idiopathic hypereosinophilic syndrome (HES). Identifiers: Orphanet 3260, MedGen C0206141, MONDO:0011895, OMIM 607685. Disease mechanism: gain of function.

Allele frequency attached by ClinVar (database versions not stated): gnomAD 0.00019 and 0.00025; TOPMed 0.00042; gnomAD exomes 0.00047; 1000 Genomes Project 30x 0.00078; 1000 Genomes Project 0.00080.
gnomAD v4.1: 75 of 233,170 alleles (0.032%); highest among the groups gnomAD compares: East Asian, 0.4%; no homozygotes.

Submissions (2):

Illumina Laboratory Services, Illumina
Classification: Likely benign for Idiopathic hypereosinophilic syndrome. Last evaluated: 2018-01-13. Review status: criteria provided, single submitter. Criteria: ICSL Variant Classification Criteria 13 December 2019. Collection method: clinical testing. Allele origin: germline.
Comment: This variant was observed in the ICSL laboratory as part of a predisposition screen in an ostensibly healthy population. It had not been previously curated by ICSL or reported in the Human Gene Mutation Database (HGMD: prior to June 1st, 2018), and was therefore a candidate for classification through an automated scoring system. Utilizing variant allele frequency, disease prevalence and penetrance estimates, and inheritance mode, an automated score was calculated to assess if this variant is too frequent to cause the disease. Based on the score and internal cut-off values, a variant classified as likely benign is not then subjected to further curation. The score for this variant resulted in a classification of likely benign for this disease.

Illumina Laboratory Services, Illumina
Classification: Uncertain significance for Gastrointestinal stromal tumor. Last evaluated: 2018-01-13. Review status: criteria provided, single submitter. Criteria: ICSL Variant Classification Criteria 13 December 2019. Collection method: clinical testing. Allele origin: germline.